The following is an entry in ClinVar:

ClinVar aggregate classification (germline): Conflicting classifications of pathogenicity. Review status: criteria provided, conflicting classifications (1 of 4 stars). 4 submissions from 4 submitters: Uncertain significance (2); Likely benign (2). Last evaluated 2025-08-03.

Conditions:
Hereditary spastic paraplegia 4. Also called: Spastic Paraplegia 4; Spastic paraplegia 4, autosomal dominant; Familial spastic paraplegia autosomal dominant 2. Identifiers: Orphanet 100985, MedGen C1866855, MONDO:0008438, OMIM 182601.
Inborn genetic diseases. Identifiers: MedGen C0950123, MeSH D030342.

Allele frequency attached by ClinVar (database versions not stated): gnomAD 0.00001 and 0.00004; TOPMed 0.00003; 1000 Genomes Project 0.00020; 1000 Genomes Project 30x 0.00031.
gnomAD v4.1: 60 of 1,613,766 alleles (0.0037%); highest among the groups gnomAD compares: South Asian, 0.041%; 1 homozygote.

Submissions (4):

Labcorp Genetics (formerly Invitae), Labcorp
Classification: Uncertain significance for Hereditary spastic paraplegia 4. Last evaluated: 2025-08-03. Review status: criteria provided, single submitter. Criteria: Invitae Variant Classification Sherloc (09022015). Collection method: clinical testing. Allele origin: germline.
Comment: This sequence change replaces threonine, which is neutral and polar, with methionine, which is neutral and non-polar, at codon 209 of the SPAST protein (p.Thr209Met). This variant is present in population databases (rs537855621, gnomAD 0.04%). This variant has not been reported in the literature in individuals affected with SPAST-related conditions. ClinVar contains an entry for this variant (Variation ID: 898890). Invitae Evidence Modeling of protein sequence and biophysical properties (such as structural, functional, and spatial information, amino acid conservation, physicochemical variation, residue mobility, and thermodynamic stability) has been performed for this missense variant. However, the output from this modeling did not meet the statistical confidence thresholds required to predict the impact of this variant on SPAST protein function. In summary, the available evidence is currently insufficient to determine the role of this variant in disease. Therefore, it has been classified as a Variant of Uncertain Significance.

Ambry Genetics
Classification: Likely benign for Inborn genetic diseases. Last evaluated: 2022-11-22. Review status: criteria provided, single submitter. Criteria: Ambry Variant Classification Scheme 2023. Collection method: clinical testing. Allele origin: germline.

Department of Pathology and Laboratory Medicine, Sinai Health System
Classification: Uncertain significance for Hereditary spastic paraplegia 4. Last evaluated: 2021-07-30. Review status: criteria provided, single submitter. Criteria: ACMG Guidelines, 2015. Collection method: research. Allele origin: germline.

Illumina Laboratory Services, Illumina
Classification: Likely benign for Hereditary spastic paraplegia 4. Last evaluated: 2018-01-13. Review status: criteria provided, single submitter. Criteria: ICSL Variant Classification Criteria 13 December 2019. Collection method: clinical testing. Allele origin: germline.
Comment: This variant was observed in the ICSL laboratory as part of a predisposition screen in an ostensibly healthy population. It had not been previously curated by ICSL or reported in the Human Gene Mutation Database (HGMD: prior to June 1st, 2018), and was therefore a candidate for classification through an automated scoring system. Utilizing variant allele frequency, disease prevalence and penetrance estimates, and inheritance mode, an automated score was calculated to assess if this variant is too frequent to cause the disease. Based on the score and internal cut-off values, a variant classified as likely benign is not then subjected to further curation. The score for this variant resulted in a classification of likely benign for this disease.

NM_014946.4(SPAST):c.626C>T (p.Thr209Met)

Gene: SPAST (spastin; plus strand). Cytogenetic location: 2p22.3.
Variant type: single nucleotide variant.
Coding change: c.626C>T on transcript NM_014946.4 (MANE Select); coding-DNA position 626, C replaced by T.
Protein change: p.Thr209Met; replaces threonine 209 with methionine.
Molecular consequence: missense variant. On other transcripts: intron variant (3).
Genome position (GRCh38, 1-based): chr2:32,098,835, C>T. VCF-style: chr2-32098835-C-T. GRCh37 (hg19) VCF-style: chr2-32323904-C-T.
Other names: c.623C>T, p.Thr208Met (NM_001363823.2); c.586+9230C>T (NM_199436.2, NM_001377959.1); c.583+9230C>T (NM_001363875.2); short protein forms T208M, T209M.
Identifiers: ClinVar variation 898890 (VCV000898890.10), dbSNP rs537855621, ClinGen allele CA1600661.